The following is an entry in ClinVar:

GRCh38/hg38 15q13.2-13.3(chr15:30438310-32569425)x1

Genes: ARHGAP11B (Rho GTPase activating protein 11B), ARHGAP11B-DT (ARHGAP11B divergent transcript), CHRNA7 (cholinergic receptor nicotinic alpha 7 subunit), FAN1 (FANCD2 and FANCI associated nuclease 1; plus strand), GOLGA8H (golgin A8 family member H) and 33 more. Cytogenetic location: 15q13.2-13.3.
Variant type: copy number loss.
Change: copy number 1 (one copy instead of two) of chr15:30,438,310-32,569,425 (2.13 Mb, GRCh38 coordinates, 1-based), cytogenetic band 15q13.2-13.3.
Identifiers: ClinVar variation 161076 (VCV000161076.1).

ClinVar aggregate classification (germline): Pathogenic (1 of 4 stars; one submission).

Submission:

ISCA site 4
Classification: Pathogenic. Last evaluated: 2011-08-12. Review status: criteria provided, single submitter. Criteria: Kaminsky et al. (Genet Med. 2011). Collection method: clinical testing. Allele origin: unknown. Affected: yes. Observed: 1 variant allele.
Comment: Copy number variation identified through the course of routine clinical cytogenomic testing in postnatal populations. Clinical assertions have been curated as described in Kaminsky et al. 2011.